The following is an entry in ClinVar:

NM_001848.3(COL6A1):c.984C>T (p.Asp328=)

Gene: COL6A1 (collagen type VI alpha 1 chain; plus strand). Cytogenetic location: 21q22.3.
Variant type: single nucleotide variant.
Coding change: c.984C>T on transcript NM_001848.3 (MANE Select); coding-DNA position 984, C replaced by T.
Protein change: p.Asp328=; no amino-acid change (aspartic acid 328 retained).
Molecular consequence: synonymous variant.
Genome position (GRCh38, 1-based): chr21:45,990,404, C>T. VCF-style: chr21-45990404-C-T. GRCh37 (hg19) VCF-style: chr21-47410318-C-T.
Identifiers: ClinVar variation 476444 (VCV000476444.14), dbSNP rs781038607, ClinGen allele CA10069949.

ClinVar aggregate classification (germline): Likely benign. Review status: criteria provided, single submitter (1 of 4 stars). 2 submissions from 2 submitters: Likely benign (1). 1 of the submissions does not count toward it. Last evaluated 2025-08-18.

Conditions:
COL6A1-related disorder. Also called: COL6A1-related condition.
Bethlem myopathy 1A. Also called: Bethlem Muscular Dystrophy; MYOPATHY, BENIGN CONGENITAL, WITH CONTRACTURES; Bethlem myopathy 1. Identifiers: Orphanet 610, MedGen CN029274, MONDO:0024530, OMIM 158810.

Allele frequency attached by ClinVar (database versions not stated): gnomAD 0.00072 and 0.00073; ExAC 0.00004; gnomAD exomes 0.00005 and 0.00024; TOPMed 0.00011.
gnomAD v4.1: 271 of 1,091,068 alleles (0.025%); highest among the groups gnomAD compares: East Asian, 0.046%; no homozygotes.

Submissions (2):

Labcorp Genetics (formerly Invitae), Labcorp
Classification: Likely benign for Bethlem myopathy 1A. Last evaluated: 2025-08-18. Review status: criteria provided, single submitter. Criteria: Invitae Variant Classification Sherloc (09022015). Collection method: clinical testing. Allele origin: germline.

PreventionGenetics, part of Exact Sciences
Classification: Likely benign for COL6A1-related condition. Last evaluated: 2019-11-27. Review status: no assertion criteria provided. Collection method: clinical testing. Allele origin: germline. Not counted in ClinVar's aggregate classification.
Comment: This variant is classified as likely benign based on ACMG/AMP sequence variant interpretation guidelines (Richards et al. 2015 PMID: 25741868, with internal and published modifications).